The following is an entry in ClinVar:

ClinVar aggregate classification (germline): Benign/Likely benign. Review status: criteria provided, multiple submitters, no conflicts (2 of 4 stars). 3 submissions from 3 submitters: Benign (1); Likely benign (2). Last evaluated 2018-06-14.

Allele frequency attached by ClinVar (database versions not stated): 1000 Genomes Project 30x 0.01437; 1000 Genomes Project 0.01458; TOPMed 0.02508; ESP Exome Variant Server 0.02868; gnomAD 0.02889.

Submissions (3):

GeneDx
Classification: Likely benign. Last evaluated: 2018-06-14. Review status: criteria provided, single submitter. Criteria: GeneDx Variant Classification (06012015). Collection method: clinical testing. Allele origin: germline. Affected: yes.
Comment: This variant is considered likely benign or benign based on one or more of the following criteria: it is a conservative change, it occurs at a poorly conserved position in the protein, it is predicted to be benign by multiple in silico algorithms, and/or has population frequency not consistent with disease.

Breakthrough Genomics
Classification: Likely benign. Review status: criteria provided, single submitter. Criteria: ACMG Guidelines, 2015. Collection method: not provided. Allele origin: germline. Inheritance: Autosomal dominant inheritance. Affected: yes.

PreventionGenetics, part of Exact Sciences
Classification: Benign. Review status: criteria provided, single submitter. Criteria: ACMG Guidelines, 2015. Collection method: clinical testing. Allele origin: germline.

NM_001999.4(FBN2):c.6637+39A>G

Gene: FBN2 (fibrillin 2; minus strand). Cytogenetic location: 5q23.3.
Variant type: single nucleotide variant.
Coding change: c.6637+39A>G on transcript NM_001999.4 (MANE Select); 39 bases into the intron after coding-DNA position 6637, A replaced by G.
Molecular consequence: intron variant.
Genome position (GRCh38, 1-based): chr5:128,289,088, T>C on the plus strand (A>G on the coding strand, the complement: FBN2 is on the minus strand). VCF-style: chr5-128289088-T-C. GRCh37 (hg19) VCF-style: chr5-127624780-T-C.
Identifiers: ClinVar variation 258523 (VCV000258523.3), dbSNP rs17608435, ClinGen allele CA3394352.
Genomic context (GRCh38, chr5:128,289,088, plus strand): 5'-GTAAATCCCCCCATCACCCAGGGTACCTGAGAGACCTTTTACTGAATATGAGAAGTAAAA[T>C]AGAACTTTAAAATTCTGTAATGTGGAGCCAACACTCACCCACACAGCGTACTCCAGTGTA-3'